The following is an entry in ClinVar:

NM_001042492.3(NF1):c.4889_4899del (p.Thr1630fs)

Gene: NF1 (neurofibromin 1; plus strand). Cytogenetic location: 17q11.2.
Variant type: Deletion.
Coding change: c.4889_4899del on transcript NM_001042492.3 (MANE Select); coding-DNA positions 4889 to 4899, 11 bases deleted (CTTTAAAGCCA).
Protein change: p.Thr1630fs; shifts the reading frame from threonine 1630.
Molecular consequence: frameshift variant.
Genome position (GRCh38, 1-based): chr17:31,325,873-31,325,883, CTTTAAAGCCA deleted; deleting any 11 consecutive bases within chr17:31,325,872-31,325,883 gives the same sequence; the c. name uses the placement nearest the transcript's 3' end. VCF-style (leftmost placement, unchanged base first): chr17-31325871-GACTTTAAAGCC-G. GRCh37 (hg19) VCF-style: chr17-29652889-GACTTTAAAGCC-G.
Other names: c.4826_4836delCTTTAAAGCCA, p.Thr1609Ilefs (NM_000267.4); short protein forms T1609fs, T1630fs.
Identifiers: ClinVar variation 3382181 (VCV003382181.2).

ClinVar aggregate classification (germline): Likely pathogenic (1 of 4 stars; one submission).

Conditions:
Neurofibromatosis, familial spinal (FSNF). Identifiers: Orphanet 636, MedGen C1834235, MONDO:0008078, OMIM 162210. Disease mechanism: loss of function.
Neurofibromatosis-Noonan syndrome (NFNS). Also called: NEUROFIBROMATOSIS WITH NOONAN PHENOTYPE. Identifiers: Orphanet 638, MedGen C2931482, MONDO:0011035, OMIM 601321. Disease mechanism: loss of function.
Neurofibromatosis, type 1 (NF1). Also called: Neurofibromatosis, type I; VON RECKLINGHAUSEN DISEASE; NEUROFIBROMATOSIS, TYPE I, SOMATIC; Peripheral type neurofibromatosis. Identifiers: Orphanet 636, MedGen C0027831, MONDO:0018975, OMIM 162200. Disease mechanism: loss of function.
Café-au-lait macules with pulmonary stenosis (WTSN). Also called: PULMONIC STENOSIS WITH CAFE-AU-LAIT SPOTS. Identifiers: MedGen C0553586, MONDO:0008672, OMIM 193520.
Juvenile myelomonocytic leukemia (JMML). Also called: LEUKEMIA, JUVENILE MYELOMONOCYTIC, SOMATIC. Identifiers: Orphanet 86834, MedGen C0349639, MONDO:0011908, OMIM 607785, HP:0012209.

Submission:

Juno Genomics, Hangzhou Juno Genomics, Inc
Classification: Likely pathogenic for Neurofibromatosis, type 1; Juvenile myelomonocytic leukemia; Neurofibromatosis, familial spinal; Neurofibromatosis-Noonan syndrome; Café-au-lait macules with pulmonary stenosis. Review status: criteria provided, single submitter. Criteria: ACMG Guidelines, 2015. Collection method: clinical testing. Allele origin: germline. Affected: yes.
Comment: Absent from controls (or at extremely low frequency if recessive) in Genome Aggregation Database, Exome Sequencing Project, 1000 Genomes Project, or Exome Aggregation Consortium.;Null variant in a gene where loss of function (LOF) is a known mechanism of disease.